The following is an entry in ClinVar:

NM_001083962.2(TCF4):c.1036T>G (p.Ser346Ala)

Gene: TCF4 (transcription factor 4; minus strand). Cytogenetic location: 18q21.2.
Variant type: single nucleotide variant.
Coding change: c.1036T>G on transcript NM_001083962.2 (MANE Select); coding-DNA position 1036, T replaced by G.
Protein change: p.Ser346Ala; replaces serine 346 with alanine.
Molecular consequence: missense variant.
Genome position (GRCh38, 1-based): chr18:55,259,982, A>C on the plus strand (T>G on the coding strand, the complement: TCF4 is on the minus strand). VCF-style: chr18-55259982-A-C. GRCh37 (hg19) VCF-style: chr18-52927213-A-C.
Other names: c.1036T>G, p.Ser346Ala (NM_001369567.1, NM_001369568.1, NM_001369571.1 and 4 more transcripts); c.1033T>G, p.Ser345Ala (NM_001369569.1, NM_001369570.1, NM_001369573.1); c.964T>G, p.Ser322Ala (NM_001369575.1, NM_001243227.2, NM_001306207.1 and 9 more transcripts); c.961T>G, p.Ser321Ala (NM_001369576.1, NM_001348220.1, NM_001369578.1 and 3 more transcripts); c.1342T>G, p.Ser448Ala (NM_001243226.3); c.1054T>G, p.Ser352Ala (NM_001243228.2); c.1030T>G, p.Ser344Ala (NM_001243230.2); c.910T>G, p.Ser304Ala (NM_001243231.2, NM_001348211.2); and 4 more; short protein forms S216A, S275A, S352A, S130A, S321A, S322A, S344A, S345A.
Identifiers: ClinVar variation 934204 (VCV000934204.9), dbSNP rs2057694590, ClinGen allele CA402534791.

ClinVar aggregate classification (germline): Uncertain significance (1 of 4 stars; one submission).

Conditions:
Pitt-Hopkins syndrome (PTHS). Also called: ENCEPHALOPATHY, SEVERE EPILEPTIC, WITH AUTONOMIC DYSFUNCTION; MENTAL RETARDATION, SYNDROMAL, WITH INTERMITTENT HYPERVENTILATION. Identifiers: Orphanet 2896, MedGen C1970431, MONDO:0012589, OMIM 610954.

Allele frequency attached by ClinVar (database versions not stated): TOPMed below 0.00001; gnomAD 0.00001; gnomAD exomes 0.00001.
gnomAD v4.1: 15 of 1,613,390 alleles (0.00093%); highest among the groups gnomAD compares: Non-Finnish European, 0.0013%; no homozygotes.

Submission:

Labcorp Genetics (formerly Invitae), Labcorp
Classification: Uncertain significance for Pitt-Hopkins syndrome. Last evaluated: 2019-10-18. Review status: criteria provided, single submitter. Criteria: Invitae Variant Classification Sherloc (09022015). Collection method: clinical testing. Allele origin: germline.
Comment: This sequence change replaces serine with alanine at codon 346 of the TCF4 protein (p.Ser346Ala). The serine residue is highly conserved and there is a moderate physicochemical difference between serine and alanine. This variant is not present in population databases (ExAC no frequency). This variant has not been reported in the literature in individuals with TCF4-related conditions. Algorithms developed to predict the effect of missense changes on protein structure and function are either unavailable or do not agree on the potential impact of this missense change (SIFT: "Deleterious"; PolyPhen-2: "Probably Damaging"; Align-GVGD: "Class C0"). In summary, the available evidence is currently insufficient to determine the role of this variant in disease. Therefore, it has been classified as a Variant of Uncertain Significance.